The following is an entry in ClinVar:

ClinVar aggregate classification (germline): Pathogenic (1 of 4 stars; one submission).

Conditions:
Neurofibromatosis, type 2 (SWNV). Also called: BILATERAL ACOUSTIC NEUROFIBROMATOSIS; SCHWANNOMATOSIS, VESTIBULAR; NF2-Related Schwannomatosis. Identifiers: Orphanet 637, MedGen C0027832, MONDO:0007039, OMIM 101000. Disease mechanism: loss of function.

Submission:

Labcorp Genetics (formerly Invitae), Labcorp
Classification: Pathogenic for Neurofibromatosis, type 2. Last evaluated: 2023-11-15. Review status: criteria provided, single submitter. Criteria: Invitae Variant Classification Sherloc (09022015). Collection method: clinical testing. Allele origin: germline.
Comment: This sequence change creates a premature translational stop signal (p.Glu366Serfs*12) in the NF2 gene. It is expected to result in an absent or disrupted protein product. Loss-of-function variants in NF2 are known to be pathogenic (PMID: 9643284, 16983642). This variant is not present in population databases (gnomAD no frequency). This variant has not been reported in the literature in individuals affected with NF2-related conditions. For these reasons, this variant has been classified as Pathogenic.

Literature cited by the submitters: PubMed 9643284; PubMed 16983642.

NM_000268.4(NF2):c.1096_1097del (p.Glu366fs)

Gene: NF2 (NF2, moesin-ezrin-radixin like (MERLIN) tumor suppressor; plus strand). Cytogenetic location: 22q12.2.
Variant type: Deletion.
Coding change: c.1096_1097del on transcript NM_000268.4 (MANE Select); coding-DNA positions 1096 to 1097, 2 bases deleted (GA; older notation c.1096_1097delGA).
Protein change: p.Glu366fs; shifts the reading frame from glutamic acid 366.
Molecular consequence: frameshift variant. On other transcripts: intron variant (1).
Genome position (GRCh38, 1-based): chr22:29,671,922-29,671,923, GA deleted; deleting any 2 consecutive bases within chr22:29,671,921-29,671,923 gives the same sequence; the c. name uses the placement nearest the transcript's 3' end. VCF-style (leftmost placement, unchanged base first): chr22-29671920-AAG-A. GRCh37 (hg19) VCF-style: chr22-30067909-AAG-A.
Other names: c.982_983del, p.Glu328fs (NM_001407053.1, NM_001407056.1); c.973_974del, p.Glu325fs (NM_001407054.1, NM_181829.3, NM_001407058.1); c.970_971del, p.Glu324fs (NM_001407055.1, NM_181828.3); c.1096_1097del, p.Glu366fs (NM_016418.5, NM_181825.3, NM_181832.3 and 2 more transcripts); c.847_848del, p.Glu283fs (NM_181830.3, NM_181831.3, NM_001407063.1 and 1 more transcripts); c.448-22830_448-22829del (NM_181833.3); c.961_962del, p.Glu321fs (NM_001407057.1, NM_001407059.1); c.838_839del, p.Glu280fs (NM_001407062.1); and 2 more; short protein forms E321fs, E325fs, E328fs, E283fs, E324fs, E280fs, E188fs, E289fs.
Identifiers: ClinVar variation 2696071 (VCV002696071.3), dbSNP rs2518667376, ClinGen allele CA2697552673.